The following is an entry in ClinVar:

ClinVar aggregate classification (germline): Uncertain significance (1 of 4 stars; one submission).

Conditions:
Hereditary cancer-predisposing syndrome. Also called: Tumor predisposition; Neoplastic Syndromes, Hereditary; Hereditary Cancer Syndrome; Hereditary neoplastic syndrome. Identifiers: Orphanet 140162, MedGen C0027672, MeSH D009386, MONDO:0015356.

gnomAD v4.1: 1 of 1,614,102 alleles (0.000062%); highest among the groups gnomAD compares: South Asian, 0.0011%; no homozygotes.

Submission:

Ambry Genetics
Classification: Uncertain significance for Hereditary cancer-predisposing syndrome. Last evaluated: 2024-12-16. Review status: criteria provided, single submitter. Criteria: Ambry Variant Classification Scheme 2023. Collection method: clinical testing. Allele origin: germline.
Comment: The p.N106S variant (also known as c.317A>G), located in coding exon 3 of the MITF gene, results from an A to G substitution at nucleotide position 317. The asparagine at codon 106 is replaced by serine, an amino acid with highly similar properties. This amino acid position is conserved. In addition, this alteration is predicted to be tolerated by in silico analysis. Based on the available evidence, the clinical significance of this variant remains unclear.

NM_001354604.2(MITF):c.638A>G (p.Asn213Ser)

Gene: MITF (melanocyte inducing transcription factor; plus strand). Cytogenetic location: 3p13.
Variant type: single nucleotide variant.
Coding change: c.638A>G on transcript NM_001354604.2 (MANE Select); coding-DNA position 638, A replaced by G.
Protein change: p.Asn213Ser; replaces asparagine 213 with serine.
Molecular consequence: missense variant.
Genome position (GRCh38, 1-based): chr3:69,939,153, A>G. VCF-style: chr3-69939153-A-G. GRCh37 (hg19) VCF-style: chr3-69988304-A-G.
Other names: c.317A>G, p.Asn106Ser (NM_000248.4, NM_198158.3); c.482A>G, p.Asn161Ser (NM_001184967.2, NM_001354608.2); c.635A>G, p.Asn212Ser (NM_001354605.2, NM_001354606.2, NM_006722.3); c.587A>G, p.Asn196Ser (NM_001354607.2); c.638A>G, p.Asn213Ser (NM_198159.3); c.590A>G, p.Asn197Ser (NM_198177.3); c.149A>G, p.Asn50Ser (NM_198178.3); short protein forms N196S, N50S, N212S, N213S, N161S, N106S, N197S.
Identifiers: ClinVar variation 3873204 (VCV003873204.1).
Genomic context (GRCh38, chr3:69,939,153, plus strand): 5'-TGCAGGGATTTTATAAGTTTGAAGAGCAAAACAGGGCAGAGAGCGAGTGCCCAGGCATGA[A>G]CACACATTCACGAGCGTCCTGTATGCAGGTACTGAATGACTTGGCAGCCTGAGGATGAAC-3'
Protein context (NP_001341533.1, residues 203-223): NRAESECPGM[Asn213Ser]THSRASCMQM